The following is an entry in ClinVar:

ClinVar aggregate classification (germline): Uncertain significance (1 of 4 stars; one submission).

Conditions:
Norman-Roberts syndrome (LIS2). Also called: Lissencephaly 2 (Norman-Roberts type). Identifiers: Orphanet 89844, MedGen C0796089, MONDO:0009760, OMIM 257320.
Familial temporal lobe epilepsy 7. Identifiers: Orphanet 101046, MedGen C4225327, MONDO:0014639, OMIM 616436.

Allele frequency attached by ClinVar (database versions not stated): gnomAD exomes below 0.00001; TOPMed below 0.00001; gnomAD 0.00001.
gnomAD v4.1: 2 of 1,613,754 alleles (0.00012%); highest among the groups gnomAD compares: East Asian, 0.0045%; no homozygotes.

Submission:

Labcorp Genetics (formerly Invitae), Labcorp
Classification: Uncertain significance for Familial temporal lobe epilepsy 7; Norman-Roberts syndrome. Last evaluated: 2022-08-16. Review status: criteria provided, single submitter. Criteria: Invitae Variant Classification Sherloc (09022015). Collection method: clinical testing. Allele origin: germline.
Comment: In summary, the available evidence is currently insufficient to determine the role of this variant in disease. Therefore, it has been classified as a Variant of Uncertain Significance. Algorithms developed to predict the effect of missense changes on protein structure and function are either unavailable or do not agree on the potential impact of this missense change (SIFT: "Deleterious"; PolyPhen-2: "Possibly Damaging"; Align-GVGD: "Class C0"). ClinVar contains an entry for this variant (Variation ID: 475973). This variant has not been reported in the literature in individuals affected with RELN-related conditions. This variant is not present in population databases (gnomAD no frequency). This sequence change replaces glycine, which is neutral and non-polar, with aspartic acid, which is acidic and polar, at codon 1830 of the RELN protein (p.Gly1830Asp).

NM_005045.4(RELN):c.5489G>A (p.Gly1830Asp)

Gene: RELN (reelin; minus strand). Cytogenetic location: 7q22.1.
Variant type: single nucleotide variant.
Coding change: c.5489G>A on transcript NM_005045.4 (MANE Select); coding-DNA position 5489, G replaced by A.
Protein change: p.Gly1830Asp; replaces glycine 1830 with aspartic acid.
Molecular consequence: missense variant.
Genome position (GRCh38, 1-based): chr7:103,561,572, C>T on the plus strand (G>A on the coding strand, the complement: RELN is on the minus strand). VCF-style: chr7-103561572-C-T. GRCh37 (hg19) VCF-style: chr7-103202019-C-T.
Other names: c.5489G>A, p.Gly1830Asp (NM_173054.3); short protein forms G1830D.
Identifiers: ClinVar variation 475973 (VCV000475973.10), dbSNP rs1255854701, ClinGen allele CA368743511.
Genomic context (GRCh38, chr7:103,561,572, plus strand): 5'-GAATCTTATCTGTATCTGACCCCTTTAAAAATTAGAGATGTTCCAGATTTGATGGTTTCA[C>T]CATTCAGATTCCCCCTCTCTGCACCATACACTTCAGGCCAAAGGTCAGGATGTAAATTCC-3'
Protein context (NP_005036.2, residues 1820-1840): VYGAERGNLN[Gly1830Asp]ETIKSGTSLI